The following is an entry in ClinVar:

ClinVar aggregate classification (germline): Uncertain significance. Review status: criteria provided, multiple submitters, no conflicts (2 of 4 stars). 4 submissions from 4 submitters: Uncertain significance (4). Last evaluated 2025-04-02.

Conditions:
Inborn genetic diseases. Identifiers: MedGen C0950123, MeSH D030342.

Allele frequency attached by ClinVar (database versions not stated): gnomAD 0.00011 and 0.00012; TOPMed 0.00015; gnomAD exomes 0.00010; ExAC 0.00011; ESP Exome Variant Server 0.00034.
gnomAD v4.1: 229 of 1,612,458 alleles (0.014%); highest among the groups gnomAD compares: Non-Finnish European, 0.019%; no homozygotes.

Submissions (4):

Ambry Genetics
Classification: Uncertain significance for Inborn genetic diseases. Last evaluated: 2025-04-02. Review status: criteria provided, single submitter. Criteria: Ambry Variant Classification Scheme 2023. Collection method: clinical testing. Allele origin: germline.

GeneDx
Classification: Uncertain significance. Last evaluated: 2023-04-26. Review status: criteria provided, single submitter. Criteria: GeneDx Variant Classification Process June 2021. Collection method: clinical testing. Allele origin: germline. Affected: yes.
Comment: In silico analysis supports that this missense variant has a deleterious effect on protein structure/function; Has not been previously published as pathogenic or benign to our knowledge; This variant is associated with the following publications: (PMID: 22939636)

Labcorp Genetics (formerly Invitae), Labcorp
Classification: Uncertain significance. Last evaluated: 2022-08-17. Review status: criteria provided, single submitter. Criteria: Invitae Variant Classification Sherloc (09022015). Collection method: clinical testing. Allele origin: germline.
Comment: This sequence change replaces phenylalanine, which is neutral and non-polar, with cysteine, which is neutral and slightly polar, at codon 677 of the RTTN protein (p.Phe677Cys). This variant is present in population databases (rs200056219, gnomAD 0.02%). This variant has not been reported in the literature in individuals affected with RTTN-related conditions. ClinVar contains an entry for this variant (Variation ID: 1254416). Algorithms developed to predict the effect of missense changes on protein structure and function (SIFT, PolyPhen-2, Align-GVGD) all suggest that this variant is likely to be disruptive. In summary, the available evidence is currently insufficient to determine the role of this variant in disease. Therefore, it has been classified as a Variant of Uncertain Significance.

Breakthrough Genomics
Classification: Uncertain significance. Review status: criteria provided, single submitter. Criteria: ACMG Guidelines, 2015. Collection method: not provided. Allele origin: germline. Inheritance: Autosomal recessive inheritance. Affected: yes.

NM_173630.4(RTTN):c.2030T>G (p.Phe677Cys)

Gene: RTTN (rotatin; minus strand). Cytogenetic location: 18q22.2.
Variant type: single nucleotide variant.
Coding change: c.2030T>G on transcript NM_173630.4 (MANE Select); coding-DNA position 2030, T replaced by G.
Protein change: p.Phe677Cys; replaces phenylalanine 677 with cysteine.
Molecular consequence: missense variant. On other transcripts: 5 prime UTR variant (1).
Genome position (GRCh38, 1-based): chr18:70,150,633, A>C on the plus strand (T>G on the coding strand, the complement: RTTN is on the minus strand). VCF-style: chr18-70150633-A-C. GRCh37 (hg19) VCF-style: chr18-67817869-A-C.
Other names: c.-618T>G (NM_001318520.2); short protein forms F677C.
Identifiers: ClinVar variation 1254416 (VCV001254416.7), dbSNP rs200056219, ClinGen allele CA8996009.